The following is an entry in ClinVar:

ClinVar aggregate classification (germline): Uncertain significance. Review status: criteria provided, multiple submitters, no conflicts (2 of 4 stars). 3 submissions from 3 submitters: Uncertain significance (3). Last evaluated 2025-01-20.

Conditions:
Potassium-aggravated myotonia. Also called: Myotonia congenita, atypical, acetazolamide-responsive; MYOTONIA CONGENITA, ACETAZOLAMIDE-RESPONSIVE; MYOTONIA CONGENITA, ATYPICAL; SODIUM CHANNEL MUSCLE DISEASE. Identifiers: Orphanet 612, Orphanet 99734, Orphanet 99735, Orphanet 99736, MedGen C2931826, MONDO:0018959, OMIM 608390.
Congenital myasthenic syndrome 16. Identifiers: Orphanet 590, MedGen C3280112, MONDO:0013620, OMIM 614198.
Paramyotonia congenita of Von Eulenburg. Also called: Paramyotonia Congenita; PARALYSIS PERIODICA PARAMYOTONICA; Eulenburg disease; Myotonia congenita intermittens; Von Eulenburg paramyotonia congenita. Identifiers: Orphanet 684, MedGen C0221055, MONDO:0008195, OMIM 168300. Disease mechanism: loss of function.
Hypokalemic periodic paralysis, type 2 (HOKPP2). Identifiers: Orphanet 681, MedGen C2750061, MONDO:0013234, OMIM 613345.
Congenital myopathy 22A, classic (CMYO22A). Identifiers: MedGen C5830453, MONDO:0957247, OMIM 620351.
Congenital myopathy 22B, severe fetal (CMYO22B). Identifiers: MedGen C5830501, MONDO:0957265, OMIM 620369.
Hyperkalemic periodic paralysis. Also called: Familial hyperkalemic periodic paralysis; Gamstorp disease. Identifiers: Orphanet 682, MedGen C0238357, MONDO:0008224, OMIM 170500, HP:0007215.

Allele frequency attached by ClinVar (database versions not stated): gnomAD 0.00001; TOPMed 0.00001; gnomAD exomes 0.00001.
gnomAD v4.1: 41 of 1,613,564 alleles (0.0025%); highest among the groups gnomAD compares: Middle Eastern, 0.033%; no homozygotes.

Submissions (3):

Labcorp Genetics (formerly Invitae), Labcorp
Classification: Uncertain significance for Hyperkalemic periodic paralysis. Last evaluated: 2025-01-20. Review status: criteria provided, single submitter. Criteria: Invitae Variant Classification Sherloc (09022015). Collection method: clinical testing. Allele origin: germline.
Comment: This sequence change replaces arginine, which is basic and polar, with glutamine, which is neutral and polar, at codon 52 of the SCN4A protein (p.Arg52Gln). This variant is present in population databases (no rsID available, gnomAD 0.003%). This variant has not been reported in the literature in individuals affected with SCN4A-related conditions. ClinVar contains an entry for this variant (Variation ID: 967123). Invitae Evidence Modeling of protein sequence and biophysical properties (such as structural, functional, and spatial information, amino acid conservation, physicochemical variation, residue mobility, and thermodynamic stability) indicates that this missense variant is not expected to disrupt SCN4A protein function with a negative predictive value of 95%. In summary, the available evidence is currently insufficient to determine the role of this variant in disease. Therefore, it has been classified as a Variant of Uncertain Significance.

Fulgent Genetics
Classification: Uncertain significance for Paramyotonia congenita of Von Eulenburg; Hyperkalemic periodic paralysis; Potassium-aggravated myotonia; Hypokalemic periodic paralysis, type 2; Congenital myasthenic syndrome 16; Congenital myopathy 22A, classic; Congenital myopathy 22B, severe fetal. Last evaluated: 2024-05-22. Review status: criteria provided, single submitter. Criteria: ACMG Guidelines, 2015. Collection method: clinical testing. Allele origin: germline.

GeneDx
Classification: Uncertain significance. Last evaluated: 2021-03-30. Review status: criteria provided, single submitter. Criteria: GeneDx Variant Classification Process June 2021. Collection method: clinical testing. Allele origin: germline. Affected: yes.
Comment: Not observed at a significant frequency in large population cohorts (Lek et al., 2016); In silico analysis supports that this missense variant does not alter protein structure/function; Has not been previously published as pathogenic or benign to our knowledge

NM_000334.4(SCN4A):c.155G>A (p.Arg52Gln)

Gene: SCN4A (sodium voltage-gated channel alpha subunit 4; minus strand). Cytogenetic location: 17q23.3.
Variant type: single nucleotide variant.
Coding change: c.155G>A on transcript NM_000334.4 (MANE Select); coding-DNA position 155, G replaced by A.
Protein change: p.Arg52Gln; replaces arginine 52 with glutamine.
Molecular consequence: missense variant.
Genome position (GRCh38, 1-based): chr17:63,972,687, C>T on the plus strand (G>A on the coding strand, the complement: SCN4A is on the minus strand). VCF-style: chr17-63972687-C-T. GRCh37 (hg19) VCF-style: chr17-62050047-C-T.
Other names: short protein forms R52Q.
Identifiers: ClinVar variation 967123 (VCV000967123.10), dbSNP rs1240011068, ClinGen allele CA400640358.